The following is an entry in ClinVar:

NM_000465.4(BARD1):c.1750A>G (p.Met584Val)

Gene: BARD1 (BRCA1 associated RING domain 1; minus strand). Cytogenetic location: 2q35.
Variant type: single nucleotide variant.
Coding change: c.1750A>G on transcript NM_000465.4 (MANE Select); coding-DNA position 1750, A replaced by G.
Protein change: p.Met584Val; replaces methionine 584 with valine.
Molecular consequence: missense variant. On other transcripts: non-coding transcript variant (3), intron variant (1).
Genome position (GRCh38, 1-based): chr2:214,745,782, T>C on the plus strand (A>G on the coding strand, the complement: BARD1 is on the minus strand). VCF-style: chr2-214745782-T-C. GRCh37 (hg19) VCF-style: chr2-215610506-T-C.
Other names: c.1693A>G, p.Met565Val (NM_001282543.2); c.397A>G, p.Met133Val (NM_001282545.2); c.340A>G, p.Met114Val (NM_001282548.2); c.365-15274A>G (NM_001282549.2); short protein forms M565V, M114V, M584V, M133V.
Identifiers: ClinVar variation 2450461 (VCV002450461.2), dbSNP rs1443447540, ClinGen allele CA350452926.

ClinVar aggregate classification (germline): Uncertain significance (1 of 4 stars; one submission).

Conditions:
Hereditary cancer-predisposing syndrome. Also called: Neoplastic Syndromes, Hereditary; Tumor predisposition; Hereditary neoplastic syndrome; Hereditary Cancer Syndrome. Identifiers: Orphanet 140162, MedGen C0027672, MeSH D009386, MONDO:0015356.

Allele frequency attached by ClinVar (database versions not stated): gnomAD exomes below 0.00001.
gnomAD v4.1: 1 of 1,614,068 alleles (0.000062%); highest among the groups gnomAD compares: South Asian, 0.0011%; no homozygotes.

Submission:

Ambry Genetics
Classification: Uncertain significance for Hereditary cancer-predisposing syndrome. Last evaluated: 2022-11-18. Review status: criteria provided, single submitter. Criteria: Ambry Variant Classification Scheme 2023. Collection method: clinical testing. Allele origin: germline.
Comment: The p.M584V variant (also known as c.1750A>G), located in coding exon 8 of the BARD1 gene, results from an A to G substitution at nucleotide position 1750. The methionine at codon 584 is replaced by valine, an amino acid with highly similar properties. This amino acid position is conserved. In addition, this alteration is predicted to be tolerated by in silico analysis. Since supporting evidence is limited at this time, the clinical significance of this alteration remains unclear.